The following is an entry in ClinVar:

ClinVar aggregate classification (germline): Uncertain significance (1 of 4 stars; one submission).

Submission:

GeneDx
Classification: Uncertain significance. Last evaluated: 2019-10-19. Review status: criteria provided, single submitter. Criteria: GeneDx Variant Classification Process June 2021. Collection method: clinical testing. Allele origin: germline. Affected: yes.
Comment: Not observed in large population cohorts (Lek et al., 2016); In silico analysis, which includes protein predictors and evolutionary conservation, supports a deleterious effect; Has not been previously published as pathogenic or benign to our knowledge

NM_001273.5(CHD4):c.3539T>C (p.Val1180Ala)

Gene: CHD4 (chromodomain helicase DNA binding protein 4; minus strand). Cytogenetic location: 12p13.31.
Variant type: single nucleotide variant.
Coding change: c.3539T>C on transcript NM_001273.5 (MANE Select); coding-DNA position 3539, T replaced by C.
Protein change: p.Val1180Ala; replaces valine 1180 with alanine.
Molecular consequence: missense variant.
Genome position (GRCh38, 1-based): chr12:6,587,876, A>G on the plus strand (T>C on the coding strand, the complement: CHD4 is on the minus strand). VCF-style: chr12-6587876-A-G. GRCh37 (hg19) VCF-style: chr12-6697042-A-G.
Other names: c.3518T>C, p.Val1173Ala (NM_001297553.2); c.3500T>C, p.Val1167Ala (NM_001363606.2); short protein forms V1167A, V1173A, V1180A.
Identifiers: ClinVar variation 1309350 (VCV001309350.2), dbSNP rs1948326612, ClinGen allele CA383581992.
Genomic context (GRCh38, chr12:6,587,876, plus strand): 5'-CGCACCACTAGATGCGTCAGCATCATTTTCTTCTTTGCCACCTGCGTGATGCGCTCCTCC[A>G]CTGACGCACGGGTCACAAACCGGTAGATCATTACCTTTTTATTTTGCCCAATCCGGTGAG-3'
Protein context (NP_001264.2, residues 1170-1190): MIYRFVTRAS[Val1180Ala]EERITQVAKK